The following is an entry in ClinVar:

ClinVar aggregate classification (germline): Uncertain significance (1 of 4 stars; one submission).

Conditions:
Glycogen storage disease, type II (IOPD). Also called: CARDIOMEGALIA GLYCOGENICA DIFFUSA; Glucosidase acid-1,4-alpha deficiency; Pompe Disease; GLYCOGENOSIS, GENERALIZED, CARDIAC FORM; GSD II; POMPE DISEASE, INFANTILE-ONSET. Identifiers: Orphanet 365, MedGen C0017921, MONDO:0009290, OMIM 232300.

Submission:

Labcorp Genetics (formerly Invitae), Labcorp
Classification: Uncertain significance for Glycogen storage disease, type II. Last evaluated: 2025-09-13. Review status: criteria provided, single submitter. Criteria: Invitae Variant Classification Sherloc (09022015). Collection method: clinical testing. Allele origin: germline.
Comment: This sequence change replaces proline, which is neutral and non-polar, with alanine, which is neutral and non-polar, at codon 39 of the GAA protein (p.Pro39Ala). This variant is not present in population databases (gnomAD no frequency). This variant has not been reported in the literature in individuals affected with GAA-related conditions. Invitae Evidence Modeling of protein sequence and biophysical properties (such as structural, functional, and spatial information, amino acid conservation, physicochemical variation, residue mobility, and thermodynamic stability) indicates that this missense variant is not expected to disrupt GAA protein function with a negative predictive value of 95%. In summary, the available evidence is currently insufficient to determine the role of this variant in disease. Therefore, it has been classified as a Variant of Uncertain Significance.

NM_000152.5(GAA):c.115C>G (p.Pro39Ala)

Gene: GAA (alpha glucosidase; plus strand). Cytogenetic location: 17q25.3.
Variant type: single nucleotide variant.
Coding change: c.115C>G on transcript NM_000152.5 (MANE Select); coding-DNA position 115, C replaced by G.
Protein change: p.Pro39Ala; replaces proline 39 with alanine.
Molecular consequence: missense variant.
Genome position (GRCh38, 1-based): chr17:80,104,701, C>G. VCF-style: chr17-80104701-C-G. GRCh37 (hg19) VCF-style: chr17-78078500-C-G.
Other names: c.115C>G, p.Pro39Ala (NM_001079803.3, NM_001079804.3, NM_001406741.1 and 1 more transcripts); short protein forms P39A.
Identifiers: ClinVar variation 4782135 (VCV004782135.1).